The following is an entry in ClinVar:

NM_001164277.2(SLC37A4):c.3G>A (p.Met1Ile)

Gene: SLC37A4 (solute carrier family 37 member 4; minus strand). Cytogenetic location: 11q23.3.
Variant type: single nucleotide variant.
Coding change: c.3G>A on transcript NM_001164277.2 (MANE Select); coding-DNA position 3, G replaced by A.
Protein change: p.Met1Ile; changes the start codon (methionine 1).
Molecular consequence: missense variant, initiator codon variant. On other transcripts: intron variant (1).
Genome position (GRCh38, 1-based): chr11:119,029,367, C>T on the plus strand (G>A on the coding strand, the complement: SLC37A4 is on the minus strand). VCF-style: chr11-119029367-C-T. GRCh37 (hg19) VCF-style: chr11-118900077-C-T.
Other names: c.3G>A, p.Met1Ile (NM_001164278.2, NM_001164280.2, NM_001467.6); c.-172+25G>A (NM_001164279.2); short protein forms M1I.
Identifiers: ClinVar variation 4719184 (VCV004719184.1).

ClinVar aggregate classification (germline): Pathogenic (1 of 4 stars; one submission).

Conditions:
Glucose-6-phosphate transport defect (GSD1B). Also called: GSD Ib; Glycogen Storage Disease Type Ib. Identifiers: Orphanet 364, Orphanet 79259, MedGen C0268146, MONDO:0009288, OMIM 232220.

Submission:

Labcorp Genetics (formerly Invitae), Labcorp
Classification: Pathogenic for Glucose-6-phosphate transport defect. Last evaluated: 2025-11-13. Review status: criteria provided, single submitter. Criteria: Invitae Variant Classification Sherloc (09022015). Collection method: clinical testing. Allele origin: germline.
Comment: This sequence change affects the initiator codon of the SLC37A4 mRNA. This change may impact translation initiation or efficiency. The next in-frame methionine is located at codon 17. This variant is not present in population databases (gnomAD no frequency). Disruption of the initiator codon has been observed in individual(s) with glycogen storage disease (PMID: 10482962). In at least one individual the data is consistent with being in trans (on the opposite chromosome) from a pathogenic variant. Algorithms developed to predict the effect of variants on gene product structure and function are not available or were not evaluated for this variant. Experimental studies have shown that disruption of the initiator codon affects SLC37A4 function (PMID: 12444104). For these reasons, this variant has been classified as Pathogenic.

Literature cited by the submitters: PubMed 10482962; PubMed 12444104.